The following is an entry in ClinVar:

ClinVar aggregate classification (germline): Pathogenic (1 of 4 stars; one submission).

Conditions:
DSCAM-related neurodevelopmental and retinal dysfunction syndrome.

Submission:

Center for Medical Genetics and Molecular Medicine, Haukeland University Hospital
Classification: Pathogenic for DSCAM-related neurodevelopmental and retinal dysfunction syndrome. Last evaluated: 2025-12-16. Review status: criteria provided, single submitter. Criteria: ACMG Guidelines, 2015. Collection method: clinical testing. Allele origin: biparental. Inheritance: Autosomal recessive inheritance. Affected: yes. Observed: 2 variant alleles, 2 homozygotes.
Comment: The NM_001389.5:c.4132+2T>A variant affects the canonical 5′ splice donor site of DSCAM intron 23 (of 32). This position is highly conserved and critical for normal pre mRNA splicing. SpliceAI predicts near complete loss of the donor splice site (delta score = 0.99), and multiple additional splice prediction tools (MaxEntScan, SpliceSiteFinder like, NNSPLICE, GeneSplicer) consistently predict complete abolition of the consensus donor site. This variant is therefore expected to result in a severe splicing defect leading to loss of function. The variant is absent from the population database gnomAD v4.1.1. Further evidence supporting a loss of function mechanism is provided by an unrelated individual reported with a homozygous deletion encompassing the entire DSCAM gene and overlapping clinical features (PMID: 33170561). In summary, this variant fulfils ACMG/AMP criteria for pathogenicity, including PVS1 (Very Strong) for a null variant affecting a canonical splice site, and PM2 (Moderate) for absence from population control databases. Based on the combined genetic, computational, and clinical evidence, the NM_001389.5:c.4132+2T>A variant is classified as pathogenic.

Literature cited by the submitters: PubMed 28600779; PubMed 33170561.

NM_001389.5(DSCAM):c.4132+2T>A

Gene: DSCAM (DS cell adhesion molecule; minus strand). Cytogenetic location: 21q22.2.
Variant type: single nucleotide variant.
Coding change: c.4132+2T>A on transcript NM_001389.5 (MANE Select); the canonical splice donor site of the intron after coding-DNA position 4132, T replaced by A.
Molecular consequence: splice donor variant.
Genome position (GRCh38, 1-based): chr21:40,085,600, A>T on the plus strand (T>A on the coding strand, the complement: DSCAM is on the minus strand). VCF-style: chr21-40085600-A-T. GRCh37 (hg19) VCF-style: chr21-41457527-A-T.
Other names: c.4132+2T>A (NM_001271534.3).
Identifiers: ClinVar variation 4820324 (VCV004820324.1).
Genomic context (GRCh38, chr21:40,085,600, plus strand): 5'-CTTTTTGCATAGAAAGCATACATGTAAAAGATATCATTAAAAAGAGTCCTCAAATGTTGT[A>T]CCTTGTACTTGTAAGTTTAAAATAATTTCATCAGATCCCCAGTTGTTATTGGCAATGCAG-3'